The following is an entry in ClinVar:

NM_022765.4(MICAL1):c.-32T>C

Gene: MICAL1 (microtubule associated monooxygenase, calponin and LIM domain containing 1; minus strand). Cytogenetic location: 6q21.
Variant type: single nucleotide variant.
Coding change: c.-32T>C on transcript NM_022765.4 (MANE Select); 32 bases upstream of the start codon, T replaced by C.
Molecular consequence: 5 prime UTR variant. On other transcripts: missense variant (1).
Genome position (GRCh38, 1-based): chr6:109,454,228, A>G on the plus strand (T>C on the coding strand, the complement: MICAL1 is on the minus strand). VCF-style: chr6-109454228-A-G. GRCh37 (hg19) VCF-style: chr6-109775431-A-G.
Other names: c.-32T>C (NM_001159291.2); c.26T>C, p.Leu9Pro (NM_001286613.2); short protein forms L9P.
Identifiers: ClinVar variation 3614666 (VCV003614666.2).

ClinVar aggregate classification (germline): Uncertain significance (1 of 4 stars; one submission).

Submission:

Labcorp Genetics (formerly Invitae), Labcorp
Classification: Uncertain significance. Last evaluated: 2024-05-13. Review status: criteria provided, single submitter. Criteria: Invitae Variant Classification Sherloc (09022015). Collection method: clinical testing. Allele origin: germline.
Comment: This sequence change replaces leucine, which is neutral and non-polar, with proline, which is neutral and non-polar, at codon 9 of the MICAL1 protein (p.Leu9Pro). This variant is not present in population databases (gnomAD no frequency). This variant has not been reported in the literature in individuals affected with MICAL1-related conditions. Experimental studies and prediction algorithms are not available or were not evaluated, and the functional significance of this variant is currently unknown. In summary, the available evidence is currently insufficient to determine the role of this variant in disease. Therefore, it has been classified as a Variant of Uncertain Significance.